The following is an entry in ClinVar:

ClinVar aggregate classification (germline): Uncertain significance. Review status: criteria provided, multiple submitters, no conflicts (2 of 4 stars). 2 submissions from 2 submitters: Uncertain significance (2). Last evaluated 2023-11-03.

Conditions:
Creatine transporter deficiency (CCDS1). Also called: Mental retardation , X-linked with seizures, short stature and midface hypoplasia; Mental retardation , X-linked, with creatine transport deficiency; X-linked creatine transporter deficiency; X-linked creatine deficiency syndrome; SLC6A8-Related Creatine Transporter Deficiency; CREATINE TRANSPORTER DEFECT. Identifiers: Orphanet 52503, MedGen C1845862, MONDO:0010305, OMIM 300352.

Submissions (2):

Labcorp Genetics (formerly Invitae), Labcorp
Classification: Uncertain significance for Creatine transporter deficiency. Last evaluated: 2023-11-03. Review status: criteria provided, single submitter. Criteria: Invitae Variant Classification Sherloc (09022015). Collection method: clinical testing. Allele origin: germline.
Comment: This sequence change replaces glycine, which is neutral and non-polar, with serine, which is neutral and polar, at codon 480 of the SLC6A8 protein (p.Gly480Ser). This variant is not present in population databases (gnomAD no frequency). This variant has not been reported in the literature in individuals affected with SLC6A8-related conditions. ClinVar contains an entry for this variant (Variation ID: 1339602). Advanced modeling of protein sequence and biophysical properties (such as structural, functional, and spatial information, amino acid conservation, physicochemical variation, residue mobility, and thermodynamic stability) has been performed at Invitae for this missense variant, however the output from this modeling did not meet the statistical confidence thresholds required to predict the impact of this variant on SLC6A8 protein function. In summary, the available evidence is currently insufficient to determine the role of this variant in disease. Therefore, it has been classified as a Variant of Uncertain Significance.

GeneDx
Classification: Uncertain significance. Last evaluated: 2022-01-24. Review status: criteria provided, single submitter. Criteria: GeneDx Variant Classification Process June 2021. Collection method: clinical testing. Allele origin: germline. Affected: yes.
Comment: Not observed at significant frequency in large population cohorts (gnomAD); In silico analysis supports that this missense variant has a deleterious effect on protein structure/function; Has not been previously published as pathogenic or benign to our knowledge

NM_005629.4(SLC6A8):c.1438G>A (p.Gly480Ser)

Gene: SLC6A8 (solute carrier family 6 member 8; plus strand). Cytogenetic location: Xq28.
Variant type: single nucleotide variant.
Coding change: c.1438G>A on transcript NM_005629.4 (MANE Select); coding-DNA position 1438, G replaced by A.
Protein change: p.Gly480Ser; replaces glycine 480 with serine.
Molecular consequence: missense variant.
Genome position (GRCh38, 1-based): chrX:153,694,389, G>A. VCF-style: chrX-153694389-G-A. GRCh37 (hg19) VCF-style: chrX-152959844-G-A.
Other names: c.1408G>A, p.Gly470Ser (NM_001142805.2); c.1093G>A, p.Gly365Ser (NM_001142806.1); short protein forms G365S, G470S, G480S.
Identifiers: ClinVar variation 1339602 (VCV001339602.5), dbSNP rs2148364228, ClinGen allele CA415087560.
Genomic context (GRCh38, chrX:153,694,389, plus strand): 5'-GGCTCTGTCCCCCAGGGCGGGATGTACGTCTTCCAGCTGTTTGACTACTACTCGGCCAGC[G>A]GCACCACCCTGCTCTGGCAGGCCTTTTGGGAGTGCGTGGTGGTGGCCTGGGTGTACGGTA-3'
Protein context (NP_005620.1, residues 470-490): FQLFDYYSAS[Gly480Ser]TTLLWQAFWE